The following is an entry in ClinVar:

NM_000088.4(COL1A1):c.1540C>T (p.Pro514Ser)

Gene: COL1A1 (collagen type I alpha 1 chain; minus strand). Cytogenetic location: 17q21.33.
Variant type: single nucleotide variant.
Coding change: c.1540C>T on transcript NM_000088.4 (MANE Select); coding-DNA position 1540, C replaced by T.
Protein change: p.Pro514Ser; replaces proline 514 with serine.
Molecular consequence: missense variant.
Genome position (GRCh38, 1-based): chr17:50,194,423, G>A on the plus strand (C>T on the coding strand, the complement: COL1A1 is on the minus strand). VCF-style: chr17-50194423-G-A. GRCh37 (hg19) VCF-style: chr17-48271784-G-A.
Other names: c.1540C>T (NM_000088.3); short protein forms P514S.
Identifiers: ClinVar variation 1062089 (VCV001062089.8), dbSNP rs753739947, ClinGen allele CA291545284.

ClinVar aggregate classification (germline): Uncertain significance. Review status: criteria provided, multiple submitters, no conflicts (2 of 4 stars). 2 submissions from 2 submitters: Uncertain significance (2). Last evaluated 2025-12-19.

Conditions:
Cardiovascular phenotype. Identifiers: MedGen CN230736.
Osteogenesis imperfecta type I (OI1). Also called: OI, TYPE I; OSTEOGENESIS IMPERFECTA TARDA; OSTEOGENESIS IMPERFECTA WITH BLUE SCLERAE; Lobstein disease; Classic Non-deforming Osteogenesis Imperfecta with Blue Sclerae; Osteogenesis imperfecta type 1. Identifiers: Orphanet 216796, Orphanet 666, MedGen C0023931, MONDO:0008146, OMIM 166200. Disease mechanism: loss of function.

Allele frequency attached by ClinVar (database versions not stated): gnomAD 0.00001; gnomAD exomes 0.00001; TOPMed 0.00001.
gnomAD v4.1: 11 of 1,614,064 alleles (0.00068%); highest among the groups gnomAD compares: Middle Eastern, 0.016%; no homozygotes.

Submissions (2):

Ambry Genetics
Classification: Uncertain significance for Cardiovascular phenotype. Last evaluated: 2025-12-19. Review status: criteria provided, single submitter. Criteria: Ambry Variant Classification Scheme 2023. Collection method: clinical testing. Allele origin: germline.
Comment: The p.P514S variant (also known as c.1540C>T), located in coding exon 23 of the COL1A1 gene, results from a C to T substitution at nucleotide position 1540. The proline at codon 514 is replaced by serine, an amino acid with similar properties. This amino acid position is conserved. In addition, the in silico prediction for this alteration is inconclusive. Based on the available evidence, the clinical significance of this variant remains unclear.

Labcorp Genetics (formerly Invitae), Labcorp
Classification: Uncertain significance for Osteogenesis imperfecta type I. Last evaluated: 2021-09-18. Review status: criteria provided, single submitter. Criteria: Invitae Variant Classification Sherloc (09022015). Collection method: clinical testing. Allele origin: germline.
Comment: This variant is not present in population databases (ExAC no frequency). This sequence change replaces proline with serine at codon 514 of the COL1A1 protein (p.Pro514Ser). The proline residue is highly conserved and there is a moderate physicochemical difference between proline and serine. This variant has not been reported in the literature in individuals affected with COL1A1-related conditions. In summary, the available evidence is currently insufficient to determine the role of this variant in disease. Therefore, it has been classified as a Variant of Uncertain Significance. Experimental studies and prediction algorithms are not available or were not evaluated, and the functional significance of this variant is currently unknown.